The following is an entry in ClinVar:

ClinVar aggregate classification (germline): Uncertain significance (1 of 4 stars; one submission).

Submission:

GeneDx
Classification: Uncertain significance. Last evaluated: 2024-03-03. Review status: criteria provided, single submitter. Criteria: GeneDx Variant Classification Process June 2021. Collection method: clinical testing. Allele origin: germline. Affected: yes.
Comment: Not observed at significant frequency in large population cohorts (gnomAD); In silico analysis supports that this missense variant does not alter protein structure/function; Has not been previously published as pathogenic or benign to our knowledge.

NM_000815.5(GABRD):c.976G>C (p.Val326Leu)

Gene: GABRD (gamma-aminobutyric acid type A receptor subunit delta; plus strand). Cytogenetic location: 1p36.33.
Variant type: single nucleotide variant.
Coding change: c.976G>C on transcript NM_000815.5 (MANE Select); coding-DNA position 976, G replaced by C.
Protein change: p.Val326Leu; replaces valine 326 with leucine.
Molecular consequence: missense variant.
Genome position (GRCh38, 1-based): chr1:2,029,679, G>C. VCF-style: chr1-2029679-G-C. GRCh37 (hg19) VCF-style: chr1-1961118-G-C.
Other names: short protein forms V326L.
Identifiers: ClinVar variation 3373647 (VCV003373647.1).